The following is an entry in ClinVar:

ClinVar aggregate classification (germline): Pathogenic (1 of 4 stars; one submission).

Conditions:
Fanconi anemia (FA). Also called: Fanconi's anemia. Identifiers: Orphanet 84, MedGen C0015625, MeSH D005199, MONDO:0019391.

Allele frequency attached by ClinVar (database versions not stated): gnomAD exomes below 0.00001 and 0.00001.

Submission:

Labcorp Genetics (formerly Invitae), Labcorp
Classification: Pathogenic for Fanconi anemia. Last evaluated: 2023-05-16. Review status: criteria provided, single submitter. Criteria: Invitae Variant Classification Sherloc (09022015). Collection method: clinical testing. Allele origin: germline.
Comment: ClinVar contains an entry for this variant (Variation ID: 572341). For these reasons, this variant has been classified as Pathogenic. This variant has not been reported in the literature in individuals affected with FANCA-related conditions. This variant is present in population databases (no rsID available, gnomAD 0.0009%). This sequence change creates a premature translational stop signal (p.Leu864Alafs*26) in the FANCA gene. It is expected to result in an absent or disrupted protein product. Loss-of-function variants in FANCA are known to be pathogenic (PMID: 19367192).

Literature cited by the submitters: PubMed 19367192.

NM_000135.4(FANCA):c.2587_2588dup (p.Leu864fs)

Gene: FANCA (FA complementation group A; minus strand). Cytogenetic location: 16q24.3.
Variant type: Duplication.
Coding change: c.2587_2588dup on transcript NM_000135.4 (MANE Select); coding-DNA positions 2587 to 2588, 2 bases duplicated (GG; older notation c.2587_2588dupGG).
Protein change: p.Leu864fs; shifts the reading frame from leucine 864.
Molecular consequence: frameshift variant.
Genome position (GRCh38, 1-based): chr16:89,767,154-89,767,155, CC duplicated on the plus strand (GG on the coding strand, the reverse complement: FANCA is on the minus strand). VCF-style (leftmost placement, unchanged base first): chr16-89767153-G-GCC. GRCh37 (hg19) VCF-style: chr16-89833561-G-GCC.
Other names: c.2587_2588dup (LRG_495t1); c.2587_2588dup, p.Leu864fs (NM_001286167.3); c.2587_2588dupGG (NM_000135.2); short protein forms L864fs.
Identifiers: ClinVar variation 572341 (VCV000572341.8), dbSNP rs1567616135, ClinGen allele CA624248198.